The following is an entry in ClinVar:

NM_001039141.3(TRIOBP):c.6328G>A (p.Ala2110Thr)

Gene: TRIOBP (TRIO and F-actin binding protein; plus strand). Cytogenetic location: 22q13.1.
Variant type: single nucleotide variant.
Coding change: c.6328G>A on transcript NM_001039141.3 (MANE Select); coding-DNA position 6328, G replaced by A.
Protein change: p.Ala2110Thr; replaces alanine 2110 with threonine.
Molecular consequence: missense variant.
Genome position (GRCh38, 1-based): chr22:37,765,673, G>A. VCF-style: chr22-37765673-G-A. GRCh37 (hg19) VCF-style: chr22-38161680-G-A.
Other names: c.1189G>A, p.Ala397Thr (NM_007032.5); short protein forms A2110T, A397T.
Identifiers: ClinVar variation 1064876 (VCV001064876.6), dbSNP rs1302649675, ClinGen allele CA411509316.
Genomic context (GRCh38, chr22:37,765,673, plus strand): 5'-AGGGCCGCTGTCCAGAGGAACGGGGCAGCCTGTGACACCCTGGCGTCCGGCCCACAGGAG[G>A]CATGTGAGCGCAGCCTGGCAGAGATGGAGTCCTCGCACCAGCAGGTGATGGAGGAGCTGC-3'
Protein context (NP_001034230.1, residues 2100-2120): HIPPGYISQE[Ala2110Thr]CERSLAEMES

ClinVar aggregate classification (germline): Uncertain significance. Review status: criteria provided, multiple submitters, no conflicts (2 of 4 stars). 2 submissions from 2 submitters: Uncertain significance (2). Last evaluated 2021-07-28.

Conditions:
Inborn genetic diseases. Identifiers: MedGen C0950123, MeSH D030342.
Hearing impairment. Also called: Impaired Hearing. Identifiers: MedGen C1384666, MONDO:0005365, HP:0000365.

Submissions (2):

Ambry Genetics
Classification: Uncertain significance for Inborn genetic diseases. Last evaluated: 2021-07-28. Review status: criteria provided, single submitter. Criteria: Ambry Variant Classification Scheme 2023. Collection method: clinical testing. Allele origin: germline.

Department of Otolaryngology – Head & Neck Surgery, Cochlear Implant Center
Classification: Uncertain significance for Hearing impairment. Last evaluated: 2021-04-12. Review status: criteria provided, single submitter. Criteria: ClinGen HL ACMG Specifications v1. Collection method: clinical testing. Allele origin: germline. Affected: yes.
Comment: PM2_Moderate, BP4_Supporting